The following is an entry in ClinVar:

ClinVar aggregate classification (germline): Uncertain significance. Review status: criteria provided, multiple submitters, no conflicts (2 of 4 stars). 2 submissions from 2 submitters: Uncertain significance (2). Last evaluated 2025-03-27.

Conditions:
RPGRIP1L-related disorder. Also called: RPGRIP1L-related condition; RPGRIP1L-related disorders. Identifiers: MedGen CN239416.
Joubert syndrome. Also called: Familial aplasia of the vermis; JOUBERT-BOLTSHAUSER SYNDROME. Identifiers: Orphanet 475, MedGen C5979921, MONDO:0018772.
Meckel-Gruber syndrome. Also called: Dysencephalia splachnocystica; DYSENCEPHALIA SPLANCHNOCYSTICA; GRUBER SYNDROME. Identifiers: Orphanet 564, MedGen C0265215, MONDO:0018921.

Allele frequency attached by ClinVar (database versions not stated): gnomAD exomes below 0.00001.
gnomAD v4.1: 4 of 1,614,122 alleles (0.00025%); highest among the groups gnomAD compares: South Asian, 0.0022%; no homozygotes.

Submissions (2):

PreventionGenetics, part of Exact Sciences
Classification: Uncertain significance for RPGRIP1L-related condition. Last evaluated: 2025-03-27. Review status: criteria provided, single submitter. Criteria: ACMG Guidelines, 2015. Collection method: clinical testing. Allele origin: germline.
Comment: The RPGRIP1L c.1991A>G variant is predicted to result in the amino acid substitution p.His664Arg. To our knowledge, this variant has not been reported in the literature. This variant is reported in 0.0065% of alleles in individuals of South Asian descent in gnomAD. At this time, the clinical significance of this variant is uncertain due to the absence of conclusive functional and genetic evidence.

Labcorp Genetics (formerly Invitae), Labcorp
Classification: Uncertain significance for Joubert syndrome; Meckel-Gruber syndrome. Last evaluated: 2022-07-30. Review status: criteria provided, single submitter. Criteria: Invitae Variant Classification Sherloc (09022015). Collection method: clinical testing. Allele origin: germline.
Comment: This sequence change replaces histidine, which is basic and polar, with arginine, which is basic and polar, at codon 664 of the RPGRIP1L protein (p.His664Arg). This variant is present in population databases (rs769962521, gnomAD 0.006%). This variant has not been reported in the literature in individuals affected with RPGRIP1L-related conditions. Algorithms developed to predict the effect of missense changes on protein structure and function (SIFT, PolyPhen-2, Align-GVGD) all suggest that this variant is likely to be tolerated. In summary, the available evidence is currently insufficient to determine the role of this variant in disease. Therefore, it has been classified as a Variant of Uncertain Significance.

NM_015272.5(RPGRIP1L):c.1991A>G (p.His664Arg)

Gene: RPGRIP1L (RPGRIP1 like; minus strand). Cytogenetic location: 16q12.2.
Variant type: single nucleotide variant.
Coding change: c.1991A>G on transcript NM_015272.5 (MANE Select); coding-DNA position 1991, A replaced by G.
Protein change: p.His664Arg; replaces histidine 664 with arginine.
Molecular consequence: missense variant.
Genome position (GRCh38, 1-based): chr16:53,652,696, T>C on the plus strand (A>G on the coding strand, the complement: RPGRIP1L is on the minus strand). VCF-style: chr16-53652696-T-C. GRCh37 (hg19) VCF-style: chr16-53686608-T-C.
Other names: c.1991A>G (NM_015272.4); c.1991A>G, p.His664Arg (NM_001127897.4, NM_001308334.3, NM_001330538.2); short protein forms H664R.
Identifiers: ClinVar variation 2414528 (VCV002414528.3), dbSNP rs769962521, ClinGen allele CA8057656.